The following is an entry in ClinVar:

NM_018066.4(GPN2):c.363C>A (p.His121Gln)

Gene: GPN2 (GPN-loop GTPase 2; minus strand). Cytogenetic location: 1p36.11.
Variant type: single nucleotide variant.
Coding change: c.363C>A on transcript NM_018066.4 (MANE Select); coding-DNA position 363, C replaced by A.
Protein change: p.His121Gln; replaces histidine 121 with glutamine.
Molecular consequence: missense variant.
Genome position (GRCh38, 1-based): chr1:26,889,734, G>T on the plus strand (C>A on the coding strand, the complement: GPN2 is on the minus strand). VCF-style: chr1-26889734-G-T. GRCh37 (hg19) VCF-style: chr1-27216225-G-T.
Other names: short protein forms H121Q.
Identifiers: ClinVar variation 3891299 (VCV003891299.1).

ClinVar aggregate classification (germline): Likely pathogenic (0 of 4 stars; one submission).

Conditions:
Perrault syndrome 1 (PRLTS1). Also called: GONADAL DYSGENESIS, XX TYPE, WITH DEAFNESS; OVARIAN DYSGENESIS WITH SENSORINEURAL DEAFNESS. Identifiers: Orphanet 2855, Orphanet 642945, MedGen C4551721, MONDO:0009300, OMIM 233400.

Submission:

Newman Lab, University of Manchester
Classification: Likely pathogenic for Perrault syndrome 1. Last evaluated: 2025-04-10. Review status: no assertion criteria provided. Collection method: research. Allele origin: biparental. Affected: yes. Observed: 7 variant alleles.
Comment: Not observed at significant frequency in large population cohorts (gnomAD v4.0); highly conserved residue to S. cerevesiae; linkage and segregation analysis in a large family of 10 affected individuals.